The following is an entry in ClinVar:

ClinVar aggregate classification (germline): Uncertain significance. Review status: criteria provided, multiple submitters, no conflicts (2 of 4 stars). 3 submissions from 3 submitters: Uncertain significance (3). Last evaluated 2026-09-11.

Conditions:
Cardiovascular phenotype. Identifiers: MedGen CN230736.
Arrhythmogenic cardiomyopathy with wooly hair and keratoderma. Also called: Arrhythmogenic cardiomyopathy with woolly hair and keratoderma; Carvajal syndrome; Dilated cardiomyopathy with woolly hair and keratoderma; PALMOPLANTAR KERATODERMA WITH LEFT VENTRICULAR CARDIOMYOPATHY AND WOOLLY HAIR. Identifiers: Orphanet 65282, MedGen C1854063, MONDO:0011581, OMIM 605676.
Arrhythmogenic right ventricular dysplasia 8 (ARVD8). Also called: Arrhythmogenic Right Ventricular Dysplasia/Cardiomyopathy 8; ARRHYTHMOGENIC RIGHT VENTRICULAR DYSPLASIA, FAMILIAL, 8; ARRHYTHMOGENIC RIGHT VENTRICULAR CARDIOMYOPATHY 8. Identifiers: MedGen C1843896, MONDO:0011831, OMIM 607450.

Submissions (3):

Ambry Genetics
Classification: Uncertain significance for Cardiovascular phenotype. Last evaluated: 2026-09-11. Review status: criteria provided, single submitter. Criteria: Ambry Variant Classification Scheme 2023. Collection method: clinical testing. Allele origin: germline.
Comment: The p.C1957R variant (also known as c.5869T>C), located in coding exon 24 of the DSP gene, results from a T to C substitution at nucleotide position 5869. The cysteine at codon 1957 is replaced by arginine, an amino acid with highly dissimilar properties. This amino acid position is conserved. In addition, this alteration is predicted to be tolerated by in silico analysis. Based on the available evidence, the clinical significance of this variant remains unclear.

Labcorp Genetics (formerly Invitae), Labcorp
Classification: Uncertain significance for Arrhythmogenic cardiomyopathy with wooly hair and keratoderma; Arrhythmogenic right ventricular dysplasia 8. Last evaluated: 2024-04-03. Review status: criteria provided, single submitter. Criteria: Invitae Variant Classification Sherloc (09022015). Collection method: clinical testing. Allele origin: germline.
Comment: This sequence change replaces cysteine, which is neutral and slightly polar, with arginine, which is basic and polar, at codon 1957 of the DSP protein (p.Cys1957Arg). This variant is not present in population databases (gnomAD no frequency). This variant has not been reported in the literature in individuals affected with DSP-related conditions. ClinVar contains an entry for this variant (Variation ID: 1356602). An algorithm developed to predict the effect of missense changes on protein structure and function (PolyPhen-2) suggests that this variant is likely to be tolerated. In summary, the available evidence is currently insufficient to determine the role of this variant in disease. Therefore, it has been classified as a Variant of Uncertain Significance.

All of Us Research Program, National Institutes of Health
Classification: Uncertain significance for Arrhythmogenic cardiomyopathy with wooly hair and keratoderma. Last evaluated: 2023-12-18. Review status: criteria provided, single submitter. Criteria: ACMG Guidelines, 2015. Collection method: clinical testing. Allele origin: germline. Inheritance: Autosomal dominant inheritance. Observed: 1 variant allele, 1 heterozygote.
Comment: This missense variant replaces cysteine with arginine at codon 1957 of the DSP protein. Computational prediction suggests that this variant may not impact protein structure and function (internally defined REVEL score threshold <= 0.5, PMID: 27666373). To our knowledge, functional studies have not been reported for this variant. This variant has not been reported in individuals affected with DSP-related disorders in the literature. This variant has not been identified in the general population by the Genome Aggregation Database (gnomAD). The available evidence is insufficient to determine the role of this variant in disease conclusively. Therefore, this variant is classified as a Variant of Uncertain Significance.

This study involves interpretation of variants in research participants for the purpose of population health screening. Participant phenotype was not available at the time of variant classification. Additional details can be found in publication PMID: 35346344, PMCID: PMC8962531

NM_004415.4(DSP):c.5869T>C (p.Cys1957Arg)

Gene: DSP (desmoplakin; plus strand). Cytogenetic location: 6p24.3.
Variant type: single nucleotide variant.
Coding change: c.5869T>C on transcript NM_004415.4 (MANE Select); coding-DNA position 5869, T replaced by C.
Protein change: p.Cys1957Arg; replaces cysteine 1957 with arginine.
Molecular consequence: missense variant.
Genome position (GRCh38, 1-based): chr6:7,583,131, T>C. VCF-style: chr6-7583131-T-C. GRCh37 (hg19) VCF-style: chr6-7583364-T-C.
Other names: c.5869T>C (NM_004415.2); c.4072T>C, p.Cys1358Arg (NM_001008844.3); c.4540T>C, p.Cys1514Arg (NM_001319034.2); short protein forms C1358R, C1514R, C1957R.
Identifiers: ClinVar variation 1356602 (VCV001356602.9), dbSNP rs2113698961, ClinGen allele CA362689588.